The following is an entry in ClinVar:

ClinVar aggregate classification (germline): Uncertain significance (1 of 4 stars; one submission).

Conditions:
Primary immunodeficiency with post-measles-mumps-rubella vaccine viral infection. Also called: Immunodeficiency 44. Identifiers: Orphanet 431166, MedGen C4225260, MONDO:0014715, OMIM 616636.

Allele frequency attached by ClinVar (database versions not stated): gnomAD exomes 0.00001; TOPMed 0.00001.
gnomAD v4.1: 10 of 1,613,862 alleles (0.00062%); highest among the groups gnomAD compares: African/African-American, 0.0027%; no homozygotes.

Submission:

Labcorp Genetics (formerly Invitae), Labcorp
Classification: Uncertain significance for Immunodeficiency 44. Last evaluated: 2018-08-15. Review status: criteria provided, single submitter. Criteria: Invitae Variant Classification Sherloc (09022015). Collection method: clinical testing. Allele origin: germline.
Comment: This sequence change replaces arginine with histidine at codon 836 of the STAT2 protein (p.Arg836His). The arginine residue is weakly conserved and there is a small physicochemical difference between arginine and histidine. The frequency data for this variant in the population databases is considered unreliable, as metrics indicate poor data quality at this position in the ExAC database. This variant has not been reported in the literature in individuals with STAT2-related disease. Algorithms developed to predict the effect of missense changes on protein structure and function output the following: SIFT: "Tolerated"; PolyPhen-2: "Benign"; Align-GVGD: "Class C0". The histidine amino acid residue is found in multiple mammalian species, suggesting that this missense change does not adversely affect protein function. These predictions have not been confirmed by published functional studies and their clinical significance is uncertain. In summary, the available evidence is currently insufficient to determine the role of this variant in disease. Therefore, it has been classified as a Variant of Uncertain Significance.

NM_005419.4(STAT2):c.2507G>A (p.Arg836His)

Gene: STAT2 (signal transducer and activator of transcription 2; minus strand). Cytogenetic location: 12q13.3.
Variant type: single nucleotide variant.
Coding change: c.2507G>A on transcript NM_005419.4 (MANE Select); coding-DNA position 2507, G replaced by A.
Protein change: p.Arg836His; replaces arginine 836 with histidine.
Molecular consequence: missense variant.
Genome position (GRCh38, 1-based): chr12:56,343,438, C>T on the plus strand (G>A on the coding strand, the complement: STAT2 is on the minus strand). VCF-style: chr12-56343438-C-T. GRCh37 (hg19) VCF-style: chr12-56737222-C-T.
Other names: c.2507G>A, p.Arg836His (LRG_1329t1); c.2495G>A, p.Arg832His (NM_198332.2); short protein forms R832H, R836H.
Identifiers: ClinVar variation 654234 (VCV000654234.1), dbSNP rs759254318, ClinGen allele CA6630230.
Genomic context (GRCh38, chr12:56,343,438, plus strand): 5'-AAATGTGGTTCCTAGAAGTCAGAAGGCATCAAGGGTCCATCAGTGTAGAAGTGGCTGGGG[C>T]GGGAGACGTAAACCTCATCCACGGTGTTCTGGCCAGCCAACAGTGGGTCACCATTCGGCA-3'
Protein context (NP_005410.1, residues 826-846): QNTVDEVYVS[Arg836His]PSHFYTDGPL